The following is an entry in ClinVar:

NM_001384732.1(CPLANE1):c.8894A>G (p.Tyr2965Cys)

Gene: CPLANE1 (ciliogenesis and planar polarity effector complex subunit 1; minus strand). Cytogenetic location: 5p13.2.
Variant type: single nucleotide variant.
Coding change: c.8894A>G on transcript NM_001384732.1 (MANE Select); coding-DNA position 8894, A replaced by G.
Protein change: p.Tyr2965Cys; replaces tyrosine 2965 with cysteine.
Molecular consequence: missense variant.
Genome position (GRCh38, 1-based): chr5:37,125,308, T>C on the plus strand (A>G on the coding strand, the complement: CPLANE1 is on the minus strand). VCF-style: chr5-37125308-T-C. GRCh37 (hg19) VCF-style: chr5-37125410-T-C.
Other names: c.8732A>G, p.Tyr2911Cys (NM_023073.4); short protein forms Y2911C, Y2965C.
Identifiers: ClinVar variation 649563 (VCV000649563.8), dbSNP rs374005945, ClinGen allele CA3237634.

ClinVar aggregate classification (germline): Uncertain significance. Review status: criteria provided, multiple submitters, no conflicts (2 of 4 stars). 2 submissions from 2 submitters: Uncertain significance (2). Last evaluated 2024-11-11.

Conditions:
Orofaciodigital syndrome type 6 (OFD6). Also called: VARADI-PAPP SYNDROME; OROFACIODIGITAL SYNDROME VI; OFDS VI; POLYDACTYLY, CLEFT LIP/PALATE OR LINGUAL LUMP, AND PSYCHOMOTOR RETARDATION; VARADI SYNDROME; Oral-facial-digital syndrome type 6. Identifiers: Orphanet 2754, MedGen C2745997, MONDO:0010176, OMIM 277170.
Joubert syndrome 17 (JBTS17). Identifiers: Orphanet 475, MedGen C3553264, MONDO:0013824, OMIM 614615.

Allele frequency attached by ClinVar (database versions not stated): gnomAD exomes 0.00001 and 0.00002; ExAC 0.00002; gnomAD 0.00002; TOPMed 0.00004.
gnomAD v4.1: 24 of 1,613,972 alleles (0.0015%); highest among the groups gnomAD compares: East Asian, 0.022%; no homozygotes.

Submissions (2):

Labcorp Genetics (formerly Invitae), Labcorp
Classification: Uncertain significance. Last evaluated: 2024-11-11. Review status: criteria provided, single submitter. Criteria: Invitae Variant Classification Sherloc (09022015). Collection method: clinical testing. Allele origin: germline.
Comment: This sequence change replaces tyrosine, which is neutral and polar, with cysteine, which is neutral and slightly polar, at codon 2911 of the CPLANE1 protein (p.Tyr2911Cys). This variant is present in population databases (rs374005945, gnomAD 0.03%). This variant has not been reported in the literature in individuals affected with CPLANE1-related conditions. ClinVar contains an entry for this variant (Variation ID: 649563). Invitae Evidence Modeling of protein sequence and biophysical properties (such as structural, functional, and spatial information, amino acid conservation, physicochemical variation, residue mobility, and thermodynamic stability) indicates that this missense variant is not expected to disrupt CPLANE1 protein function with a negative predictive value of 95%. In summary, the available evidence is currently insufficient to determine the role of this variant in disease. Therefore, it has been classified as a Variant of Uncertain Significance.

Fulgent Genetics
Classification: Uncertain significance for Orofaciodigital syndrome type 6; Joubert syndrome 17. Last evaluated: 2021-12-12. Review status: criteria provided, single submitter. Criteria: ACMG Guidelines, 2015. Collection method: clinical testing. Allele origin: unknown.